The following is an entry in ClinVar:

NM_020361.5(CPA6):c.1008C>T (p.Tyr336=)

Genes: ARFGEF1-DT (ARFGEF1 divergent transcript; plus strand), CPA6 (carboxypeptidase A6; minus strand). Cytogenetic location: 8q13.2.
Variant type: single nucleotide variant.
Coding change: c.1008C>T on transcript NM_020361.5 (MANE Select); coding-DNA position 1008, C replaced by T.
Protein change: p.Tyr336=; no amino-acid change (tyrosine 336 retained).
Molecular consequence: synonymous variant.
Genome position (GRCh38, 1-based): chr8:67,434,071, G>A on the plus strand (C>T on the coding strand, the complement: CPA6 is on the minus strand). VCF-style: chr8-67434071-G-A. GRCh37 (hg19) VCF-style: chr8-68346306-G-A.
Identifiers: ClinVar variation 3907469 (VCV003907469.1).

ClinVar aggregate classification (germline): Likely benign (1 of 4 stars; one submission).

Submission:

Women's Health and Genetics/Laboratory Corporation of America, LabCorp
Classification: Likely benign. Last evaluated: 2025-06-02. Review status: criteria provided, single submitter. Criteria: LabCorp Variant Classification Summary - May 2015. Collection method: clinical testing. Allele origin: germline.
Comment: Variant summary: CPA6 c.1008C>T alters a conserved nucleotide resulting in a synonymous change. Consensus agreement among computation tools predict no significant impact on normal splicing. However, these predictions have yet to be confirmed by functional studies. The variant was absent in 251452 control chromosomes. The available data on variant occurrences in the general population are insufficient to allow any conclusion about variant significance. To our knowledge, no occurrence of c.1008C>T in individuals affected with CPA6-Related Disorders and no experimental evidence demonstrating its impact on protein function have been reported. No submitters have cited clinical-significance assessments for this variant to ClinVar. Based on the evidence outlined above, the variant was classified as likely benign.